The following is an entry in ClinVar:

NM_001134665.3(TRMT10A):c.854G>A (p.Cys285Tyr)

Gene: TRMT10A (tRNA methyltransferase 10A; minus strand). Cytogenetic location: 4q23.
Variant type: single nucleotide variant.
Coding change: c.854G>A on transcript NM_001134665.3 (MANE Select); coding-DNA position 854, G replaced by A.
Protein change: p.Cys285Tyr; replaces cysteine 285 with tyrosine.
Molecular consequence: missense variant.
Genome position (GRCh38, 1-based): chr4:99,549,254, C>T on the plus strand (G>A on the coding strand, the complement: TRMT10A is on the minus strand). VCF-style: chr4-99549254-C-T. GRCh37 (hg19) VCF-style: chr4-100470411-C-T.
Other names: c.854G>A, p.Cys285Tyr (NM_001134666.3, NM_001375880.1, NM_001375881.1 and 1 more transcripts); c.833G>A, p.Cys278Tyr (NM_001375882.1); short protein forms C278Y, C285Y.
Identifiers: ClinVar variation 1337704 (VCV001337704.8), dbSNP rs74445102, ClinGen allele CA3021407.

ClinVar aggregate classification (germline): Uncertain significance. Review status: criteria provided, multiple submitters, no conflicts (2 of 4 stars). 3 submissions from 3 submitters: Uncertain significance (3). Last evaluated 2026-01-17.

Allele frequency attached by ClinVar (database versions not stated): ExAC 0.00015; ESP Exome Variant Server 0.00008; 1000 Genomes Project 0.00120; TOPMed 0.00004; gnomAD 0.00009 and 0.00002; gnomAD exomes 0.00013; 1000 Genomes Project 30x 0.00094.

Submissions (3):

Labcorp Genetics (formerly Invitae), Labcorp
Classification: Uncertain significance. Last evaluated: 2026-01-17. Review status: criteria provided, single submitter. Criteria: Invitae Variant Classification Sherloc (09022015). Collection method: clinical testing. Allele origin: germline.
Comment: This sequence change replaces cysteine, which is neutral and slightly polar, with tyrosine, which is neutral and polar, at codon 285 of the TRMT10A protein (p.Cys285Tyr). This variant is present in population databases (rs74445102, gnomAD 0.1%). This variant has not been reported in the literature in individuals affected with TRMT10A-related conditions. ClinVar contains an entry for this variant (Variation ID: 1337704). Invitae Evidence Modeling of protein sequence and biophysical properties (such as structural, functional, and spatial information, amino acid conservation, physicochemical variation, residue mobility, and thermodynamic stability) indicates that this missense variant is not expected to disrupt TRMT10A protein function with a negative predictive value of 80%. In summary, the available evidence is currently insufficient to determine the role of this variant in disease. Therefore, it has been classified as a Variant of Uncertain Significance.

GeneDx
Classification: Uncertain significance. Last evaluated: 2022-05-03. Review status: criteria provided, single submitter. Criteria: GeneDx Variant Classification Process June 2021. Collection method: clinical testing. Allele origin: germline. Affected: yes.
Comment: In silico analysis supports that this missense variant does not alter protein structure/function; Has not been previously published as pathogenic or benign to our knowledge

Genetic Services Laboratory, University of Chicago
Classification: Uncertain significance. Last evaluated: 2020-08-07. Review status: criteria provided, single submitter. Criteria: ACMG Guidelines, 2015. Collection method: clinical testing. Allele origin: germline. Affected: no.
Comment: DNA sequence analysis of the TRMT10A gene demonstrated a sequence change, c.854G>A, in exon 8 that results in an amino acid change, p.Cys285Tyr. This sequence change does not appear to have been previously described in patients with TRMT10A-related disorders and has been described in the gnomAD database with a frequency of 0.0098% in the South Asian sub-population (dbSNP rs74445102). The p.Cys285Tyr change affects a poorly conserved amino acid residue located in a domain of the TRMT10A protein that is known to be functional. The p.Cys285Tyr substitution appears to be benign using several in-silico pathogenicity prediction tools (SIFT, PolyPhen2, Align GVGD, REVEL). Due to these contrasting evidences and the lack of functional studies, the clinical significance of the p.Cys285Tyr change remains unknown at this time.